The following is an entry in ClinVar:

NM_000551.4(VHL):c.425T>C (p.Val142Ala)

Genes: VHL (von Hippel-Lindau tumor suppressor; plus strand), LOC107303340 (3p25 von Hippel-Lindau tumor suppressor, E3 ubiquitin protein ligase Alu-mediated recombination region; plus strand). Cytogenetic location: 3p25.3.
Variant type: single nucleotide variant.
Coding change: c.425T>C on transcript NM_000551.4 (MANE Select); coding-DNA position 425, T replaced by C.
Protein change: p.Val142Ala; replaces valine 142 with alanine.
Molecular consequence: missense variant. On other transcripts: intron variant (2).
Genome position (GRCh38, 1-based): chr3:10,146,598, T>C. VCF-style: chr3-10146598-T-C. GRCh37 (hg19) VCF-style: chr3-10188282-T-C.
Other names: c.*18-3189T>C (NM_001354723.2); c.341-3189T>C (NM_198156.3); short protein forms V142A.
Identifiers: ClinVar variation 526672 (VCV000526672.9), dbSNP rs1553619979, ClinGen allele CA351754163.

ClinVar aggregate classification (germline): Uncertain significance (1 of 4 stars; one submission).

Conditions:
Chuvash polycythemia. Also called: POLYCYTHEMIA, VHL-DEPENDENT. Identifiers: Orphanet 238557, MedGen C1837915, MONDO:0009892, OMIM 263400.
Von Hippel-Lindau syndrome (VHLS). Also called: von Hippel–Lindau syndrome; VHL syndrome; Von Hippel-Lindau. Identifiers: Orphanet 892, MedGen C0019562, MONDO:0008667, OMIM 193300. Disease mechanism: loss of function.

Submission:

Labcorp Genetics (formerly Invitae), Labcorp
Classification: Uncertain significance for Von Hippel-Lindau syndrome; Chuvash polycythemia. Last evaluated: 2021-07-03. Review status: criteria provided, single submitter. Criteria: Invitae Variant Classification Sherloc (09022015). Collection method: clinical testing. Allele origin: germline.
Comment: This sequence change replaces valine with alanine at codon 142 of the VHL protein (p.Val142Ala). The valine residue is moderately conserved and there is a small physicochemical difference between valine and alanine. This variant is not present in population databases (ExAC no frequency). This variant has not been reported in the literature in individuals with VHL-related disease. Algorithms developed to predict the effect of missense changes on protein structure and function output the following: SIFT: "Tolerated"; PolyPhen-2: "Benign"; Align-GVGD: "Class C0". The alanine amino acid residue is found in multiple mammalian species, suggesting that this missense change does not adversely affect protein function. These predictions have not been confirmed by published functional studies and their clinical significance is uncertain. In summary, the available evidence is currently insufficient to determine the role of this variant in disease. Therefore, it has been classified as a Variant of Uncertain Significance.